The following is an entry in ClinVar:

NM_000094.4(COL7A1):c.3894+6T>C

Gene: COL7A1 (collagen type VII alpha 1 chain; minus strand). Cytogenetic location: 3p21.31.
Variant type: single nucleotide variant.
Coding change: c.3894+6T>C on transcript NM_000094.4 (MANE Select); 6 bases into the intron after coding-DNA position 3894, T replaced by C.
Molecular consequence: intron variant.
Genome position (GRCh38, 1-based): chr3:48,585,551, A>G on the plus strand (T>C on the coding strand, the complement: COL7A1 is on the minus strand). VCF-style: chr3-48585551-A-G. GRCh37 (hg19) VCF-style: chr3-48622984-A-G.
Identifiers: ClinVar variation 2781210 (VCV002781210.3), dbSNP rs2045179825, ClinGen allele CA1363086663.

ClinVar aggregate classification (germline): Uncertain significance (1 of 4 stars; one submission).

Allele frequency attached by ClinVar (database versions not stated): gnomAD exomes 0.00001.
gnomAD v4.1: 12 of 1,613,284 alleles (0.00074%); highest among the groups gnomAD compares: Non-Finnish European, 0.001%; no homozygotes.

Submission:

Labcorp Genetics (formerly Invitae), Labcorp
Classification: Uncertain significance. Last evaluated: 2023-12-02. Review status: criteria provided, single submitter. Criteria: Invitae Variant Classification Sherloc (09022015). Collection method: clinical testing. Allele origin: germline.
Comment: This sequence change falls in intron 31 of the COL7A1 gene. It does not directly change the encoded amino acid sequence of the COL7A1 protein. It affects a nucleotide within the consensus splice site. This variant is not present in population databases (gnomAD no frequency). This variant has not been reported in the literature in individuals affected with COL7A1-related conditions. Variants that disrupt the consensus splice site are a relatively common cause of aberrant splicing (PMID: 17576681, 9536098). Algorithms developed to predict the effect of sequence changes on RNA splicing suggest that this variant may disrupt the consensus splice site. In summary, the available evidence is currently insufficient to determine the role of this variant in disease. Therefore, it has been classified as a Variant of Uncertain Significance.

Literature cited by the submitters: PubMed 17576681; PubMed 9536098.